The following is an entry in ClinVar:

ClinVar aggregate classification (germline): Conflicting classifications of pathogenicity. Review status: criteria provided, conflicting classifications (1 of 4 stars). 8 submissions from 8 submitters: Uncertain significance (1); Likely benign (6). 1 of the submissions does not count toward it. Last evaluated 2026-01-25.

Conditions:
COL11A2-related disorder. Also called: COL11A2-related condition; COL11A2-related disorders.

Allele frequency attached by ClinVar (database versions not stated): 1000 Genomes Project 30x 0.00016; 1000 Genomes Project 0.00020; gnomAD 0.00044; TOPMed 0.00045; ESP Exome Variant Server 0.00107.
gnomAD v4.1: 792 of 1,613,070 alleles (0.049%); highest among the groups gnomAD compares: Non-Finnish European, 0.065%; 2 homozygotes.

Submissions (8):

Labcorp Genetics (formerly Invitae), Labcorp
Classification: Likely benign. Last evaluated: 2026-01-25. Review status: criteria provided, single submitter. Criteria: Invitae Variant Classification Sherloc (09022015). Collection method: clinical testing. Allele origin: germline.

CeGaT Center for Human Genetics Tuebingen
Classification: Likely benign. Last evaluated: 2026-01-01. Review status: criteria provided, single submitter. Criteria: CeGaT Center For Human Genetics Tuebingen Variant Classification Criteria Version 2. Collection method: clinical testing. Allele origin: germline. Affected: yes. Observed: 3 variant alleles.
Comment: COL11A2: BP4, BP7

Blueprint Genetics
Classification: Likely benign. Last evaluated: 2024-11-20. Review status: criteria provided, single submitter. Criteria: ACMG Guidelines, 2015. Collection method: clinical testing. Allele origin: germline.

ARUP Laboratories, Molecular Genetics and Genomics, ARUP Laboratories
Classification: Likely benign. Last evaluated: 2024-01-31. Review status: criteria provided, single submitter. Criteria: ARUP Molecular Germline Variant Investigation Process 2024. Collection method: clinical testing. Allele origin: germline.

GeneDx
Classification: Likely benign. Last evaluated: 2020-09-23. Review status: criteria provided, single submitter. Criteria: GeneDx Variant Classification Process June 2021. Collection method: clinical testing. Allele origin: germline. Affected: yes.

Laboratory for Molecular Medicine, Mass General Brigham Personalized Medicine
Classification: Likely benign. Last evaluated: 2016-08-16. Review status: criteria provided, single submitter. Criteria: LMM Criteria. Collection method: clinical testing. Allele origin: germline. Observed: 3 variant alleles.
Comment: p.Ser160Ser in exon 4 of COL11A2: This variant is not expected to have clinical significance because it does not alter an amino acid residue, is not located wit hin the splice consensus sequence, and has been identified in 60/63280 European chromosomes by the Exome Aggregation Consortium (ExAC; dbSNP rs142969513).

Eurofins Ntd Llc (ga)
Classification: Uncertain significance. Last evaluated: 2014-11-22. Review status: criteria provided, single submitter. Criteria: EGL Classification Definitions 2015. Collection method: clinical testing. Allele origin: germline. Observed: 2 variant alleles, 2 heterozygotes.

PreventionGenetics, part of Exact Sciences
Classification: Likely benign for COL11A2-related condition. Last evaluated: 2019-11-01. Review status: no assertion criteria provided. Collection method: clinical testing. Allele origin: germline. Not counted in ClinVar's aggregate classification.
Comment: This variant is classified as likely benign based on ACMG/AMP sequence variant interpretation guidelines (Richards et al. 2015 PMID: 25741868, with internal and published modifications).

NM_080680.3(COL11A2):c.480T>G (p.Ser160=)

Gene: COL11A2 (collagen type XI alpha 2 chain; minus strand). Cytogenetic location: 6p21.32.
Variant type: single nucleotide variant.
Coding change: c.480T>G on transcript NM_080680.3 (MANE Select); coding-DNA position 480, T replaced by G.
Protein change: p.Ser160=; no amino-acid change (serine 160 retained).
Molecular consequence: synonymous variant.
Genome position (GRCh38, 1-based): chr6:33,188,488, A>C on the plus strand (T>G on the coding strand, the complement: COL11A2 is on the minus strand). VCF-style: chr6-33188488-A-C. GRCh37 (hg19) VCF-style: chr6-33156265-A-C.
Other names: c.480T>G, p.Ser160= (NM_001163771.2, NM_080679.3, NM_080681.3).
Identifiers: ClinVar variation 197366 (VCV000197366.56), dbSNP rs142969513, ClinGen allele CA245463.
Genomic context (GRCh38, chr6:33,188,488, plus strand): 5'-ACGAGCACTTCGGGGGAGAGGCCGGGTGACTCGCTTCTTGCAGTCAACAATGAGGGTGAC[A>C]GACTGGCCCTTCACAGCCACAGCCACACGGTGCCACCTGGAAATGGTGGAAGAGGTTCAA-3'
Protein context (NP_542411.2, residues 150-170): HRVAVAVKGQ[Ser160=]VTLIVDCKKR